The following is an entry in ClinVar:

NM_001206927.2(DNAH8):c.9529del (p.Arg3177fs)

Genes: DNAH8 (dynein axonemal heavy chain 8; plus strand), DNAH8-AS1 (DNAH8 antisense RNA 1; minus strand). Cytogenetic location: 6p21.2.
Variant type: Deletion.
Coding change: c.9529del on transcript NM_001206927.2 (MANE Select); coding-DNA position 9529, one base deleted (C; older notation c.9529delC).
Protein change: p.Arg3177fs; shifts the reading frame from arginine 3177.
Molecular consequence: frameshift variant.
Genome position (GRCh38, 1-based): chr6:38,909,533, C deleted; the last of 2 consecutive C bases (chr6:38,909,532-38,909,533); deleting either gives the same sequence. VCF-style (leftmost placement, unchanged base first): chr6-38909531-TC-T. GRCh37 (hg19) VCF-style: chr6-38877307-TC-T.
Other names: c.8878del, p.Arg2960fs (NM_001371.4); short protein forms R2960fs, R3177fs.
Identifiers: ClinVar variation 1999878 (VCV001999878.4), dbSNP rs2533394646, ClinGen allele CA2580074471.

ClinVar aggregate classification (germline): Pathogenic (1 of 4 stars; one submission).

Conditions:
Primary ciliary dyskinesia. Also called: Ciliary dyskinesia. Identifiers: Orphanet 244, MedGen C0008780, MONDO:0016575, HP:0012265.

Submission:

Labcorp Genetics (formerly Invitae), Labcorp
Classification: Pathogenic for Primary ciliary dyskinesia. Last evaluated: 2022-06-14. Review status: criteria provided, single submitter. Criteria: Invitae Variant Classification Sherloc (09022015). Collection method: clinical testing. Allele origin: germline.
Comment: For these reasons, this variant has been classified as Pathogenic. This variant has not been reported in the literature in individuals affected with DNAH8-related conditions. This variant is not present in population databases (gnomAD no frequency). This sequence change creates a premature translational stop signal (p.Arg3177Valfs*5) in the DNAH8 gene. It is expected to result in an absent or disrupted protein product. Loss-of-function variants in DNAH8 are known to be pathogenic (PMID: 24307375, 32619401, 32681648).

Literature cited by the submitters: PubMed 24307375; PubMed 32619401; PubMed 32681648.